The following is an entry in ClinVar:

ClinVar aggregate classification (germline): Uncertain significance. Review status: criteria provided, multiple submitters, no conflicts (2 of 4 stars). 5 submissions from 5 submitters: Uncertain significance (4). 1 of the submissions does not count toward it. Last evaluated 2024-12-20.

Conditions:
Walker-Warburg congenital muscular dystrophy. Also called: Muscular dystrophy-dystroglycanopathy, type A; Walker-Warburg syndrome. Identifiers: Orphanet 899, MedGen C0265221, MONDO:0000171.
Cardiovascular phenotype. Identifiers: MedGen CN230736.

Allele frequency attached by ClinVar (database versions not stated): gnomAD exomes below 0.00001 and 0.00001; ExAC 0.00001; gnomAD 0.00001; TOPMed 0.00002.
gnomAD v4.1: 5 of 1,613,882 alleles (0.00031%); highest among the groups gnomAD compares: Non-Finnish European, 0.00042%; no homozygotes.

Submissions (5):

Ambry Genetics
Classification: Uncertain significance for Cardiovascular phenotype. Last evaluated: 2024-12-20. Review status: criteria provided, single submitter. Criteria: Ambry Variant Classification Scheme 2023. Collection method: clinical testing. Allele origin: germline.
Comment: The p.Y392H variant (also known as c.1174T>C), located in coding exon 9 of the FKTN gene, results from a T to C substitution at nucleotide position 1174. The tyrosine at codon 392 is replaced by histidine, an amino acid with similar properties. This amino acid position is highly conserved in available vertebrate species. In addition, this alteration is predicted to be deleterious by in silico analysis. Since supporting evidence is limited at this time, the clinical significance of this alteration remains unclear.

CeGaT Center for Human Genetics Tuebingen
Classification: Uncertain significance. Last evaluated: 2023-11-01. Review status: criteria provided, single submitter. Criteria: CeGaT Center For Human Genetics Tuebingen Variant Classification Criteria Version 2. Collection method: clinical testing. Allele origin: germline. Affected: yes. Observed: 1 variant allele.
Comment: FKTN: PM2, PP3

Labcorp Genetics (formerly Invitae), Labcorp
Classification: Uncertain significance for Walker-Warburg congenital muscular dystrophy. Last evaluated: 2023-10-13. Review status: criteria provided, single submitter. Criteria: Invitae Variant Classification Sherloc (09022015). Collection method: clinical testing. Allele origin: germline.
Comment: This sequence change replaces tyrosine, which is neutral and polar, with histidine, which is basic and polar, at codon 392 of the FKTN protein (p.Tyr392His). This variant is present in population databases (rs752191412, gnomAD 0.0009%). This variant has not been reported in the literature in individuals affected with FKTN-related conditions. ClinVar contains an entry for this variant (Variation ID: 645102). An algorithm developed to predict the effect of missense changes on protein structure and function (PolyPhen-2) suggests that this variant is likely to be disruptive. Algorithms developed to predict the effect of sequence changes on RNA splicing suggest that this variant may disrupt the consensus splice site. In summary, the available evidence is currently insufficient to determine the role of this variant in disease. Therefore, it has been classified as a Variant of Uncertain Significance.

Mayo Clinic Laboratories, Mayo Clinic
Classification: Uncertain significance. Last evaluated: 2023-04-20. Review status: criteria provided, single submitter. Criteria: ACMG Guidelines, 2015. Collection method: clinical testing. Allele origin: germline. Observed: 1 variant allele.
Comment: PP3, PM2_supporting

Natera, Inc.
Classification: Uncertain significance for Walker-Warburg congenital muscular dystrophy. Last evaluated: 2020-12-31. Review status: no assertion criteria provided. Collection method: clinical testing. Allele origin: germline. Not counted in ClinVar's aggregate classification.

NM_001079802.2(FKTN):c.1174T>C (p.Tyr392His)

Gene: FKTN (fukutin; plus strand). Cytogenetic location: 9q31.2.
Variant type: single nucleotide variant.
Coding change: c.1174T>C on transcript NM_001079802.2 (MANE Select); coding-DNA position 1174, T replaced by C.
Protein change: p.Tyr392His; replaces tyrosine 392 with histidine.
Molecular consequence: missense variant. On other transcripts: non-coding transcript variant (2).
Genome position (GRCh38, 1-based): chr9:105,635,052, T>C. VCF-style: chr9-105635052-T-C. GRCh37 (hg19) VCF-style: chr9-108397333-T-C.
Other names: p.Tyr392His; c.1174T>C, p.Tyr392His (NM_001198963.2, NM_001351496.2, NM_006731.2); c.1105T>C, p.Tyr369His (NM_001351497.2); c.1205T>C, p.Ile402Thr (NM_001351498.2); c.778T>C, p.Tyr260His (NM_001351499.2, NM_001351500.2, NM_001351501.2 and 1 more transcripts); short protein forms I402T, Y392H, Y260H, Y369H.
Identifiers: ClinVar variation 645102 (VCV000645102.35), dbSNP rs752191412, ClinGen allele CA5170588.
Genomic context (GRCh38, chr9:105,635,052, plus strand): 5'-AGATTCCTTAGCTAGACCTTCTTCCACTGTTGAAGCCTAATCCCTCTGTTTTGCTGCAGA[T>C]ACCTGTTTCCGAAGTTTACACTGTGCTGGACTGAGTTTGTAGACATGAAGGTCCATGTAC-3'
Protein context (NP_001073270.1, residues 382-402): TQAKTGKKFK[Tyr392His]LFPKFTLCWT